The following is an entry in ClinVar:

NM_014712.3(SETD1A):c.695C>T (p.Thr232Ile)

Gene: SETD1A (SET domain containing 1A, histone lysine methyltransferase; plus strand). Cytogenetic location: 16p11.2.
Variant type: single nucleotide variant.
Coding change: c.695C>T on transcript NM_014712.3 (MANE Select); coding-DNA position 695, C replaced by T.
Protein change: p.Thr232Ile; replaces threonine 232 with isoleucine.
Molecular consequence: missense variant.
Genome position (GRCh38, 1-based): chr16:30,964,149, C>T. VCF-style: chr16-30964149-C-T. GRCh37 (hg19) VCF-style: chr16-30975470-C-T.
Other names: short protein forms T232I.
Identifiers: ClinVar variation 3160600 (VCV003160600.2), dbSNP rs529846750, ClinGen allele CA8016466.
Genomic context (GRCh38, chr16:30,964,149, plus strand): 5'-TCTAGGCCGAATCCCGCCGCCGCTCTTCCTCTGACACAGCTGCCTACCCAGCAGGCACCA[C>T]TGCGGTGGGCACTCCTGGCAACGGCACCCCCTGCTCCCAGGACACAAGCTTCTCCAGCAG-3'
Protein context (NP_055527.1, residues 222-242): SDTAAYPAGT[Thr232Ile]AVGTPGNGTP

ClinVar aggregate classification (germline): Uncertain significance. Review status: criteria provided, multiple submitters, no conflicts (2 of 4 stars). 2 submissions from 2 submitters: Uncertain significance (2). Last evaluated 2024-01-04.

Conditions:
Inborn genetic diseases. Identifiers: MedGen C0950123, MeSH D030342.
Epilepsy, early-onset, with or without developmental delay. Identifiers: MedGen C5882670, MONDO:0030005, OMIM 618832.

Allele frequency attached by ClinVar (database versions not stated): ExAC 0.00001; gnomAD 0.00003; 1000 Genomes Project 30x 0.00016; TOPMed 0.00016; 1000 Genomes Project 0.00020.
gnomAD v4.1: 12 of 1,614,180 alleles (0.00074%); highest among the groups gnomAD compares: Admixed American, 0.013%; no homozygotes.

Submissions (2):

Ambry Genetics
Classification: Uncertain significance for Inborn genetic diseases. Last evaluated: 2024-01-04. Review status: criteria provided, single submitter. Criteria: Ambry Variant Classification Scheme 2023. Collection method: clinical testing. Allele origin: germline.

Neuberg Centre For Genomic Medicine, NCGM
Classification: Uncertain significance for Epilepsy, early-onset, with or without developmental delay. Review status: criteria provided, single submitter. Criteria: ACMG Guidelines, 2015. Collection method: clinical testing. Allele origin: germline. Inheritance: Autosomal dominant inheritance. Affected: yes.
Comment: The missense c.695C>T (p.Thr232Ile) variant in SETD1A gene has not been reported previously as a pathogenic variant nor as a benign variant, to our knowledge. The p.Thr232Ile variant is present with allele frequency of 0.0004% in gnomAD Exomes. This variant has not been submitted to the ClinVar database. Multiple lines of computational evidence (Polyphen - Benign, SIFT - Damaging and MutationTaster - Polymorphism) predicts conflicting evidence on protein structure and function for this variant. The reference amino acid at this position on SETD1A is predicted as conserved by GERP++ and PhyloP across 100 vertebrates. The amino acid Thr at position 232 is changed to a Ile changing protein sequence and it might alter its composition and physico-chemical properties. For these reasons, this variant has been classified as a Variant of Uncertain Significance (VUS).